The following is an entry in ClinVar:

ClinVar aggregate classification (germline): Likely pathogenic (1 of 4 stars; one submission).

Allele frequency attached by ClinVar (database versions not stated): gnomAD exomes below 0.00001.
gnomAD v4.1: 1 of 1,593,188 alleles (0.000063%); highest among the groups gnomAD compares: Non-Finnish European, 0.000086%; no homozygotes.

Submission:

GeneDx
Classification: Likely pathogenic. Last evaluated: 2014-03-21. Review status: criteria provided, single submitter. Criteria: GeneDx Variant Classification (06012015). Collection method: clinical testing. Allele origin: germline. Affected: yes.
Comment: p.Ala291Asp (GCT>GAT): c. 872 C>A in the PRRT2 gene (NM_145239.2). The A291D variant has not been published as a mutation, nor has it been reported as a benign polymorphism to our knowledge. It was not observed in approximately 6,500 individuals of European and African American ancestry in the NHLBI Exome Sequencing Project, indicating it is not a common benign variant in these populations. The A291D variant is a non-conservative amino acid substitution, which is likely to impact secondary protein structure as these residues differ in polarity, charge, size and/or other properties. This substitution occurs at a position that is conserved in primates in the cytoplasmic domain of the PRRT2 protein. A different missense substitution at the same codon (A291V) has been reported in association with paroxysmal kinesigenic dyskinesia (Liu et al., 2013) and in silico analysis predicts this variant is probably damaging to the protein structure/function. Some individuals with PRRT2 mutations never develop seizures due to incomplete penetrance. The variant is found in INFANT-EPI panel(s).

NM_145239.3(PRRT2):c.872C>A (p.Ala291Asp)

Genes: MVP-DT (MVP divergent transcript; minus strand), PRRT2 (proline rich transmembrane protein 2; plus strand). Cytogenetic location: 16p11.2.
Variant type: single nucleotide variant.
Coding change: c.872C>A on transcript NM_145239.3 (MANE Select); coding-DNA position 872, C replaced by A.
Protein change: p.Ala291Asp; replaces alanine 291 with aspartic acid.
Molecular consequence: missense variant.
Genome position (GRCh38, 1-based): chr16:29,813,926, C>A. VCF-style: chr16-29813926-C-A. GRCh37 (hg19) VCF-style: chr16-29825247-C-A.
Other names: p.A291D:GCT>GAT; c.872C>A, p.Ala291Asp (NM_001256442.2, NM_001256443.2); short protein forms A291D.
Identifiers: ClinVar variation 206690 (VCV000206690.2), dbSNP rs796052936, ClinGen allele CA317035.
Genomic context (GRCh38, chr16:29,813,926, plus strand): 5'-TTGCCATCCTGTCCTGCTTCTGCCCCATGTGGCCTGTCAACATCGTGGCCTTCGCTTATG[C>A]TGTCATGGTGAGCCCCATGGGACCCTAGCCCAGGCCTGCTGTGGCTCCCAGCTTCCCGCC-3'
Protein context (NP_660282.2, residues 281-301): WPVNIVAFAY[Ala291Asp]VMSRNSLQQG